The following is an entry in ClinVar:

NM_000116.5(TAFAZZIN):c.368G>C (p.Arg123Pro)

Gene: TAFAZZIN (tafazzin, phospholipid-lysophospholipid transacylase; plus strand). Cytogenetic location: Xq28.
Variant type: single nucleotide variant.
Coding change: c.368G>C on transcript NM_000116.5 (MANE Select); coding-DNA position 368, G replaced by C.
Protein change: p.Arg123Pro; replaces arginine 123 with proline.
Molecular consequence: missense variant. On other transcripts: non-coding transcript variant (1).
Genome position (GRCh38, 1-based): chrX:154,413,565, G>C. VCF-style: chrX-154413565-G-C. GRCh37 (hg19) VCF-style: chrX-153641902-G-C.
Other names: c.422G>C, p.Arg141Pro (NM_001303465.2, NM_001410698.1); c.368G>C, p.Arg123Pro (NM_181311.4, NM_181312.4, NM_181313.4); short protein forms R141P, R123P.
Identifiers: ClinVar variation 2847748 (VCV002847748.3), dbSNP rs2522943530, ClinGen allele CA415182140.

ClinVar aggregate classification (germline): Uncertain significance (1 of 4 stars; one submission).

Conditions:
3-Methylglutaconic aciduria type 2 (BTHS). Also called: CARDIOSKELETAL MYOPATHY WITH NEUTROPENIA AND ABNORMAL MITOCHONDRIA; Barth syndrome. Identifiers: Orphanet 111, MedGen C0574083, MONDO:0010543, OMIM 302060.

Submission:

Labcorp Genetics (formerly Invitae), Labcorp
Classification: Uncertain significance for 3-Methylglutaconic aciduria type 2. Last evaluated: 2023-03-20. Review status: criteria provided, single submitter. Criteria: Invitae Variant Classification Sherloc (09022015). Collection method: clinical testing. Allele origin: germline.
Comment: In summary, the available evidence is currently insufficient to determine the role of this variant in disease. Therefore, it has been classified as a Variant of Uncertain Significance. An algorithm developed to predict the effect of missense changes on protein structure and function (PolyPhen-2) suggests that this variant is likely to be disruptive. This variant has not been reported in the literature in individuals affected with TAZ-related conditions. This variant is not present in population databases (gnomAD no frequency). This sequence change replaces arginine, which is basic and polar, with proline, which is neutral and non-polar, at codon 123 of the TAZ protein (p.Arg123Pro).